The following is an entry in ClinVar:

NM_198060.4(NRAP):c.3300+7G>T

Gene: NRAP (nebulin related anchoring protein; minus strand). Cytogenetic location: 10q25.3.
Variant type: single nucleotide variant.
Coding change: c.3300+7G>T on transcript NM_198060.4 (MANE Select); 7 bases into the intron after coding-DNA position 3300, G replaced by T.
Molecular consequence: intron variant.
Genome position (GRCh38, 1-based): chr10:113,614,176, C>A on the plus strand (G>T on the coding strand, the complement: NRAP is on the minus strand). VCF-style: chr10-113614176-C-A. GRCh37 (hg19) VCF-style: chr10-115373935-C-A.
Other names: c.3195+7G>T (NM_006175.5); c.3192+7G>T (NM_001322945.2); c.3300+7G>T (NM_001261463.2, NM_198060.3).
Identifiers: ClinVar variation 3388507 (VCV003388507.16), dbSNP rs373113525.
Genomic context (GRCh38, chr10:113,614,176, plus strand): 5'-GGTTGCCATGCAGTGAGCGTTGTCAGGTGGGGGCCCTGCAGCCGCTGATGCCTCTCCCCC[C>A]ACTTACATCACTCTGCAGTGAGGTCGCATACACTGAATGTGCAAGGCTGATATCATCTTC-3'

ClinVar aggregate classification (germline): Likely benign. Review status: criteria provided, multiple submitters, no conflicts (2 of 4 stars). 3 submissions from 3 submitters: Likely benign (3). Last evaluated 2025-04-09.

Submissions (3):

Molecular Diagnostic Laboratory for Inherited Cardiovascular Disease, Montreal Heart Institute
Classification: Likely benign. Last evaluated: 2025-04-09. Review status: criteria provided, single submitter. Criteria: ACMG Guidelines, 2015. Collection method: clinical testing. Allele origin: germline. Affected: no.

Blueprint Genetics
Classification: Likely benign. Last evaluated: 2024-10-11. Review status: criteria provided, single submitter. Criteria: ACMG Guidelines, 2015. Collection method: clinical testing. Allele origin: germline.

CeGaT Center for Human Genetics Tuebingen
Classification: Likely benign. Last evaluated: 2024-10-01. Review status: criteria provided, single submitter. Criteria: CeGaT Center For Human Genetics Tuebingen Variant Classification Criteria Version 2. Collection method: clinical testing. Allele origin: germline. Affected: yes. Observed: 1 variant allele.
Comment: NRAP: PM2:Supporting, BP4, BS2